The following is an entry in ClinVar:

ClinVar aggregate classification (germline): Benign/Likely benign. Review status: criteria provided, multiple submitters, no conflicts (2 of 4 stars). 9 submissions from 8 submitters: Benign (6); Likely benign (1). 2 of the submissions do not count toward it. Last evaluated 2026-01-31.

Conditions:
Maturity-onset diabetes of the young (MODY). Also called: Maturity onset diabetes mellitus in young. Identifiers: Orphanet 552, MedGen C0342276, MONDO:0018911, HP:0004904.
Maturity-onset diabetes of the young type 13. Also called: MODY, TYPE 13. Identifiers: Orphanet 552, MedGen C4225365, MONDO:0014589, OMIM 616329.
Inborn genetic diseases. Identifiers: MedGen C0950123, MeSH D030342.
Diabetes mellitus, transient neonatal, 3 (TNDM3). Identifiers: Orphanet 99886, MedGen C1864623, MONDO:0012522, OMIM 610582. Disease mechanism: loss of function.
Permanent neonatal diabetes mellitus (PNDM). Identifiers: Orphanet 99885, MedGen C1833104, MONDO:0100164, MONDO:0011643. Disease mechanism: gain of function.

Allele frequency attached by ClinVar (database versions not stated): gnomAD exomes 0.00043 and 0.00108; ExAC 0.00126; 1000 Genomes Project 0.00280; 1000 Genomes Project 30x 0.00281; gnomAD 0.00466 and 0.00509; ESP Exome Variant Server 0.00508; TOPMed 0.00522.
gnomAD v4.1: 1,391 of 1,613,826 alleles (0.086%); highest among the groups gnomAD compares: African/African-American, 1.6%; 16 homozygotes.

Submissions (9):

Labcorp Genetics (formerly Invitae), Labcorp
Classification: Benign. Last evaluated: 2026-01-31. Review status: criteria provided, single submitter. Criteria: Invitae Variant Classification Sherloc (09022015). Collection method: clinical testing. Allele origin: germline.

Ambry Genetics
Classification: Likely benign for Inborn genetic diseases. Last evaluated: 2022-03-30. Review status: criteria provided, single submitter. Criteria: Ambry Variant Classification Scheme 2023. Collection method: clinical testing. Allele origin: germline.

GeneDx
Classification: Benign. Last evaluated: 2020-08-17. Review status: criteria provided, single submitter. Criteria: GeneDx Variant Classification Process June 2021. Collection method: clinical testing. Allele origin: germline. Affected: yes.

Illumina Laboratory Services, Illumina
Classification: Benign for Diabetes mellitus, transient neonatal, 3. Last evaluated: 2018-01-12. Review status: criteria provided, single submitter. Criteria: ICSL Variant Classification Criteria 13 December 2019. Collection method: clinical testing. Allele origin: germline.
Comment: This variant was observed in the ICSL laboratory as part of a predisposition screen in an ostensibly healthy population. It had not been previously curated by ICSL or reported in the Human Gene Mutation Database (HGMD: prior to June 1st, 2018), and was therefore a candidate for classification through an automated scoring system. Utilizing variant allele frequency, disease prevalence and penetrance estimates, and inheritance mode, an automated score was calculated to assess if this variant is too frequent to cause the disease. Based on the score and internal cut-off values, a variant classified as benign is not then subjected to further curation. The score for this variant resulted in a classification of benign for this disease.

Illumina Laboratory Services, Illumina
Classification: Benign for Maturity-onset diabetes of the young type 13. Last evaluated: 2018-01-12. Review status: criteria provided, single submitter. Criteria: ICSL Variant Classification Criteria 13 December 2019. Collection method: clinical testing. Allele origin: germline.
Comment: the same text as in the submission from Illumina Laboratory Services, Illumina above.

Genetic Services Laboratory, University of Chicago
Classification: Benign. Last evaluated: 2016-08-30. Review status: criteria provided, single submitter. Criteria: ACMG Guidelines, 2015. Collection method: clinical testing. Allele origin: germline. Affected: no.

PreventionGenetics, part of Exact Sciences
Classification: Benign. Review status: criteria provided, single submitter. Criteria: ACMG Guidelines, 2015. Collection method: clinical testing. Allele origin: germline.

Natera, Inc.
Classification: Benign for Permanent neonatal diabetes mellitus. Last evaluated: 2020-09-16. Review status: no assertion criteria provided. Collection method: clinical testing. Allele origin: germline. Not counted in ClinVar's aggregate classification.

Clinical Genomics, Uppaluri K&H Personalized Medicine Clinic
Classification: Uncertain significance for Maturity-onset diabetes of the young. Review status: flagged submission. Criteria: K&H Uppaluri Personalized Medicine Clinic Variant Classification & Assertion Criteria. Collection method: research. Allele origin: somatic. Inheritance: Autosomal dominant inheritance. Not counted in ClinVar's aggregate classification.
Comment: Mutations in KCNJ11 gene can cause decreased production and secretion of insulin. This can lead to MODY which may be responsive to oral sulfonylureas. It is also associated with Neonatal Diabetes. However, no sufficient evidence is found to ascertain the role of rs112070496 variant in MODY yet.
ClinVar note: Reason: Outlier claim with insufficient supporting evidence

Literature cited by the submitters: PubMed 26448950 (cited by Clinical Genomics, Uppaluri K&H Personalized Medicine Clinic); PubMed 15580558 (cited by Clinical Genomics, Uppaluri K&H Personalized Medicine Clinic); PubMed 15718250 (cited by Clinical Genomics, Uppaluri K&H Personalized Medicine Clinic).

NM_000525.4(KCNJ11):c.108G>A (p.Val36=)

Gene: KCNJ11 (potassium inwardly rectifying channel subfamily J member 11; minus strand). Cytogenetic location: 11p15.1.
Variant type: single nucleotide variant.
Coding change: c.108G>A on transcript NM_000525.4 (MANE Select); coding-DNA position 108, G replaced by A.
Protein change: p.Val36=; no amino-acid change (valine 36 retained).
Molecular consequence: synonymous variant. On other transcripts: intron variant (3).
Genome position (GRCh38, 1-based): chr11:17,387,984, C>T on the plus strand (G>A on the coding strand, the complement: KCNJ11 is on the minus strand). VCF-style: chr11-17387984-C-T. GRCh37 (hg19) VCF-style: chr11-17409531-C-T.
Other names: c.-16-138G>A (NM_001166290.2, NM_001377297.1); c.-17+34G>A (NM_001377296.1).
Identifiers: ClinVar variation 211221 (VCV000211221.27), dbSNP rs112070496, ClinGen allele CA207945.